The following is an entry in ClinVar:

ClinVar aggregate classification (germline): Conflicting classifications of pathogenicity. Review status: criteria provided, conflicting classifications (1 of 4 stars). 8 submissions from 8 submitters: Uncertain significance (1); Benign (3); Likely benign (3). 1 of the submissions does not count toward it. Last evaluated 2026-02-01.

Conditions:
EPG5-related disorder. Also called: EPG5-related condition. Identifiers: MedGen CN381528.
Vici syndrome (VICIS). Identifiers: Orphanet 1493, MedGen C1855772, MONDO:0009452, OMIM 242840.
Intellectual disability. Also called: Intellectual functioning disability; intellectual disabilities; Intellectual developmental disorder. Identifiers: MedGen C3714756, MeSH D008607, MONDO:0001071, HP:0001249.
Inborn genetic diseases. Identifiers: MedGen C0950123, MeSH D030342.

Allele frequency attached by ClinVar (database versions not stated): gnomAD exomes 0.00039 and 0.00019; ExAC 0.00058; gnomAD 0.00131 and 0.00133; TOPMed 0.00135; ESP Exome Variant Server 0.00145; 1000 Genomes Project 0.00160; 1000 Genomes Project 30x 0.00203.
gnomAD v4.1: 474 of 1,614,168 alleles (0.029%); highest among the groups gnomAD compares: African/African-American, 0.41%; no homozygotes.

Submissions (8):

CeGaT Center for Human Genetics Tuebingen
Classification: Uncertain significance. Last evaluated: 2026-02-01. Review status: criteria provided, single submitter. Criteria: CeGaT Center For Human Genetics Tuebingen Variant Classification Criteria Version 2. Collection method: clinical testing. Allele origin: germline. Affected: yes. Observed: 1 variant allele.
Comment: EPG5: PM2, BP4

Labcorp Genetics (formerly Invitae), Labcorp
Classification: Benign for Vici syndrome. Last evaluated: 2026-02-01. Review status: criteria provided, single submitter. Criteria: Invitae Variant Classification Sherloc (09022015). Collection method: clinical testing. Allele origin: germline.

Laboratory of Genetics, Children's Clinical University Hospital Latvia
Classification: Likely benign. Last evaluated: 2025-02-16. Review status: criteria provided, single submitter. Criteria: ACMG Guidelines, 2015. Collection method: clinical testing. Allele origin: germline. Affected: yes.

Blueprint Genetics
Classification: Likely benign. Last evaluated: 2024-11-25. Review status: criteria provided, single submitter. Criteria: ACMG Guidelines, 2015. Collection method: clinical testing. Allele origin: germline.

Ambry Genetics
Classification: Likely benign for Inborn genetic diseases. Last evaluated: 2023-06-16. Review status: criteria provided, single submitter. Criteria: Ambry Variant Classification Scheme 2023. Collection method: clinical testing. Allele origin: germline.

Cambridge Genomics Laboratory, East Genomic Laboratory Hub, NHS Genomic Medicine Service
Classification: Benign for Intellectual disability. Last evaluated: 2020-02-11. Review status: criteria provided, single submitter. Criteria: ACGS Best Practice Guidelines for Variant Classification in Rare Disease 2020. Collection method: clinical testing. Allele origin: germline. Affected: yes. Observed: 1 variant allele.

Breakthrough Genomics
Classification: Benign. Review status: criteria provided, single submitter. Criteria: ACMG Guidelines, 2015. Collection method: not provided. Allele origin: germline. Inheritance: Autosomal recessive inheritance. Affected: yes.

PreventionGenetics, part of Exact Sciences
Classification: Likely benign for EPG5-related condition. Last evaluated: 2023-04-10. Review status: no assertion criteria provided. Collection method: clinical testing. Allele origin: germline. Not counted in ClinVar's aggregate classification.
Comment: This variant is classified as likely benign based on ACMG/AMP sequence variant interpretation guidelines (Richards et al. 2015 PMID: 25741868, with internal and published modifications).

NM_020964.3(EPG5):c.4541C>T (p.Pro1514Leu)

Gene: EPG5 (ectopic P-granules 5 autophagy tethering factor; minus strand). Cytogenetic location: 18q21.1.
Variant type: single nucleotide variant.
Coding change: c.4541C>T on transcript NM_020964.3 (MANE Select); coding-DNA position 4541, C replaced by T.
Protein change: p.Pro1514Leu; replaces proline 1514 with leucine.
Molecular consequence: missense variant.
Genome position (GRCh38, 1-based): chr18:45,901,101, G>A on the plus strand (C>T on the coding strand, the complement: EPG5 is on the minus strand). VCF-style: chr18-45901101-G-A. GRCh37 (hg19) VCF-style: chr18-43481066-G-A.
Other names: c.4541C>T, p.Pro1514Leu (LRG_1234t1); short protein forms P1514L.
Identifiers: ClinVar variation 534612 (VCV000534612.24), dbSNP rs139209033, ClinGen allele CA8948827.
Genomic context (GRCh38, chr18:45,901,101, plus strand): 5'-GTGGCGTCCTTCTGACTCAATAGCACAGCAGAGGAAATAACTGGCACAGGAGGCTTCGTC[G>A]GGTGCAGAGCAAGGGGAGGCTGGGGAGCCTCATGCTTCCGCAAGTTACTTAAAACCCTTT-3'
Protein context (NP_066015.2, residues 1504-1524): EAPQPPLALH[Pro1514Leu]TKPPVPVISS